The following is an entry in ClinVar:

ClinVar aggregate classification (germline): Uncertain significance. Review status: criteria provided, multiple submitters, no conflicts (2 of 4 stars). 2 submissions from 2 submitters: Uncertain significance (2). Last evaluated 2018-05-25.

Conditions:
X-linked myopathy with postural muscle atrophy. Also called: FHL1-Related Emery-Dreifuss Muscular Dystrophy, X-Linked. Identifiers: Orphanet 178461, MedGen C2678055, MONDO:0010401, OMIM 300696.

Submissions (2):

Eurofins Ntd Llc (ga)
Classification: Uncertain significance. Last evaluated: 2018-05-25. Review status: criteria provided, single submitter. Criteria: EGL ClinVar v180209 classification definitions. Collection method: clinical testing. Allele origin: germline. Observed: 1 variant allele, 1 heterozygote.

Labcorp Genetics (formerly Invitae), Labcorp
Classification: Uncertain significance for X-linked myopathy with postural muscle atrophy. Last evaluated: 2017-08-31. Review status: criteria provided, single submitter. Criteria: Invitae Variant Classification Sherloc (09022015). Collection method: clinical testing. Allele origin: germline.
Comment: In summary, the available evidence is currently insufficient to determine the role of this variant in disease. Therefore, it has been classified as a Variant of Uncertain Significance. A different missense substitution at this codon (p.Cys153Tyr) has been determined to be pathogenic (PMID: 24634512, 20633900, 18274675, 26627873). This suggests that the cysteine residue is critical for FHL1 protein function and that other missense substitutions at this position may also be pathogenic. Algorithms developed to predict the effect of missense changes on protein structure and function (SIFT, PolyPhen-2, Align-GVGD) all suggest that this variant is likely to be disruptive, but these predictions have not been confirmed by published functional studies and their clinical significance is uncertain. This variant has not been reported in the literature in individuals with FHL1-related disease. This variant is not present in population databases (ExAC no frequency). This sequence change replaces cysteine with glycine at codon 153 of the FHL1 protein (p.Cys153Gly). The cysteine residue is highly conserved and there is a large physicochemical difference between cysteine and glycine.

Literature cited by the submitters: PubMed 24634512 (cited by Labcorp Genetics (formerly Invitae), Labcorp); PubMed 20633900 (cited by Labcorp Genetics (formerly Invitae), Labcorp); PubMed 18274675 (cited by Labcorp Genetics (formerly Invitae), Labcorp); PubMed 26627873 (cited by Labcorp Genetics (formerly Invitae), Labcorp).

NM_001159699.2(FHL1):c.505T>G (p.Cys169Gly)

Gene: FHL1 (four and a half LIM domains 1; plus strand). Cytogenetic location: Xq26.3.
Variant type: single nucleotide variant.
Coding change: c.505T>G on transcript NM_001159699.2 (MANE Select); coding-DNA position 505, T replaced by G.
Protein change: p.Cys169Gly; replaces cysteine 169 with glycine.
Molecular consequence: missense variant. On other transcripts: non-coding transcript variant (1).
Genome position (GRCh38, 1-based): chrX:136,207,917, T>G. VCF-style: chrX-136207917-T-G. GRCh37 (hg19) VCF-style: chrX-135290076-T-G.
Other names: c.457T>G, p.Cys153Gly (NM_001159700.2, NM_001159702.3, NM_001159703.2 and 9 more transcripts); c.544T>G, p.Cys182Gly (NM_001159701.2); c.505T>G, p.Cys169Gly (NM_001330659.2); short protein forms C153G, C169G, C182G.
Identifiers: ClinVar variation 537350 (VCV000537350.12), dbSNP rs122458144, ClinGen allele CA414608572.